The following is an entry in ClinVar:

ClinVar aggregate classification (germline): Uncertain significance. Review status: criteria provided, multiple submitters, no conflicts (2 of 4 stars). 2 submissions from 2 submitters: Uncertain significance (2). Last evaluated 2025-08-02.

Conditions:
Hereditary cancer-predisposing syndrome. Also called: Hereditary neoplastic syndrome; Hereditary Cancer Syndrome; Tumor predisposition; Neoplastic Syndromes, Hereditary. Identifiers: Orphanet 140162, MedGen C0027672, MeSH D009386, MONDO:0015356.
Familial cancer of breast. Also called: Hereditary breast cancer; BREAST CANCER, FAMILIAL; hereditary breast carcinoma. Identifiers: Orphanet 227535, MedGen C0346153, MONDO:0016419, OMIM 114480. Disease mechanism: loss of function.

Submissions (2):

Ambry Genetics
Classification: Uncertain significance for Hereditary cancer-predisposing syndrome. Last evaluated: 2025-08-02. Review status: criteria provided, single submitter. Criteria: Ambry Variant Classification Scheme 2023. Collection method: clinical testing. Allele origin: germline.
Comment: The p.V240L variant (also known as c.718G>C), located in coding exon 4 of the BARD1 gene, results from a G to C substitution at nucleotide position 718. The valine at codon 240 is replaced by leucine, an amino acid with highly similar properties. This amino acid position is conserved. In addition, this alteration is predicted to be tolerated by in silico analysis. Based on the available evidence, the clinical significance of this variant remains unclear.

Labcorp Genetics (formerly Invitae), Labcorp
Classification: Uncertain significance for Familial cancer of breast. Last evaluated: 2023-10-13. Review status: criteria provided, single submitter. Criteria: Invitae Variant Classification Sherloc (09022015). Collection method: clinical testing. Allele origin: germline.
Comment: This sequence change replaces valine, which is neutral and non-polar, with leucine, which is neutral and non-polar, at codon 240 of the BARD1 protein (p.Val240Leu). This variant is not present in population databases (gnomAD no frequency). This variant has not been reported in the literature in individuals affected with BARD1-related conditions. ClinVar contains an entry for this variant (Variation ID: 2133855). An algorithm developed to predict the effect of missense changes on protein structure and function (PolyPhen-2) suggests that this variant is likely to be tolerated. In summary, the available evidence is currently insufficient to determine the role of this variant in disease. Therefore, it has been classified as a Variant of Uncertain Significance.

NM_000465.4(BARD1):c.718G>C (p.Val240Leu)

Gene: BARD1 (BRCA1 associated RING domain 1; minus strand). Cytogenetic location: 2q35.
Variant type: single nucleotide variant.
Coding change: c.718G>C on transcript NM_000465.4 (MANE Select); coding-DNA position 718, G replaced by C.
Protein change: p.Val240Leu; replaces valine 240 with leucine.
Molecular consequence: missense variant. On other transcripts: non-coding transcript variant (2), intron variant (3).
Genome position (GRCh38, 1-based): chr2:214,781,156, C>G on the plus strand (G>C on the coding strand, the complement: BARD1 is on the minus strand). VCF-style: chr2-214781156-C-G. GRCh37 (hg19) VCF-style: chr2-215645880-C-G.
Other names: c.718G>C (NM_000465.2); c.661G>C, p.Val221Leu (NM_001282543.2); c.158+28256G>C (NM_001282548.2); c.215+15905G>C (NM_001282545.2); c.364+11141G>C (NM_001282549.2); short protein forms V221L, V240L.
Identifiers: ClinVar variation 2133855 (VCV002133855.5), dbSNP rs2106110857, ClinGen allele CA350456273.